The following is an entry in ClinVar:

NM_005431.2(XRCC2):c.252T>C (p.Asp84=)

Gene: XRCC2 (X-ray repair cross complementing 2; minus strand). Cytogenetic location: 7q36.1.
Variant type: single nucleotide variant.
Coding change: c.252T>C on transcript NM_005431.2 (MANE Select); coding-DNA position 252, T replaced by C.
Protein change: p.Asp84=; no amino-acid change (aspartic acid 84 retained).
Molecular consequence: synonymous variant.
Genome position (GRCh38, 1-based): chr7:152,649,233, A>G on the plus strand (T>C on the coding strand, the complement: XRCC2 is on the minus strand). VCF-style: chr7-152649233-A-G. GRCh37 (hg19) VCF-style: chr7-152346318-A-G.
Identifiers: ClinVar variation 514063 (VCV000514063.6), dbSNP rs775563874, ClinGen allele CA4582365.

ClinVar aggregate classification (germline): Likely benign. Review status: criteria provided, multiple submitters, no conflicts (2 of 4 stars). 3 submissions from 3 submitters: Likely benign (3). Last evaluated 2023-12-10.

Conditions:
Hereditary cancer-predisposing syndrome. Also called: Hereditary Cancer Syndrome; Neoplastic Syndromes, Hereditary; Tumor predisposition; Hereditary neoplastic syndrome. Identifiers: Orphanet 140162, MedGen C0027672, MeSH D009386, MONDO:0015356.

Allele frequency attached by ClinVar (database versions not stated): gnomAD exomes below 0.00001; ExAC 0.00001; gnomAD 0.00003 and 0.00004; TOPMed 0.00003.
gnomAD v4.1: 6 of 1,613,726 alleles (0.00037%); highest among the groups gnomAD compares: African/African-American, 0.008%; no homozygotes.

Submissions (3):

Labcorp Genetics (formerly Invitae), Labcorp
Classification: Likely benign. Last evaluated: 2023-12-10. Review status: criteria provided, single submitter. Criteria: Invitae Variant Classification Sherloc (09022015). Collection method: clinical testing. Allele origin: germline.

Ambry Genetics
Classification: Likely benign for Hereditary cancer-predisposing syndrome. Last evaluated: 2021-10-12. Review status: criteria provided, single submitter. Criteria: Ambry Variant Classification Scheme 2023. Collection method: clinical testing. Allele origin: germline.

GeneDx
Classification: Likely benign. Last evaluated: 2017-12-07. Review status: criteria provided, single submitter. Criteria: GeneDx Variant Classification (06012015). Collection method: clinical testing. Allele origin: germline. Affected: yes.
Comment: This variant is considered likely benign or benign based on one or more of the following criteria: it is a conservative change, it occurs at a poorly conserved position in the protein, it is predicted to be benign by multiple in silico algorithms, and/or has population frequency not consistent with disease.